The following is an entry in ClinVar:

NM_003126.4(SPTA1):c.25-1G>C

Gene: SPTA1 (spectrin alpha, erythrocytic 1; minus strand). Cytogenetic location: 1q23.1.
Variant type: single nucleotide variant.
Coding change: c.25-1G>C on transcript NM_003126.4 (MANE Select); the canonical splice acceptor site of the intron before coding-DNA position 25, G replaced by C.
Molecular consequence: splice acceptor variant.
Genome position (GRCh38, 1-based): chr1:158,685,348, C>G on the plus strand (G>C on the coding strand, the complement: SPTA1 is on the minus strand). VCF-style: chr1-158685348-C-G. GRCh37 (hg19) VCF-style: chr1-158655138-C-G.
Identifiers: ClinVar variation 2775425 (VCV002775425.2), dbSNP rs2525391483, ClinGen allele CA343026975.

ClinVar aggregate classification (germline): Likely pathogenic (1 of 4 stars; one submission).

Conditions:
Spherocytosis. Identifiers: MedGen C0553720, HP:0004444.

Submission:

MVZ Dr. Eberhard & Partner Dortmund
Classification: Likely pathogenic for Spherocytosis. Last evaluated: 2022-11-30. Review status: criteria provided, single submitter. Criteria: ACMG Guidelines, 2015. Collection method: clinical testing. Allele origin: unknown. Observed: 1 variant allele.
Comment: This variant was not present in variant databases. It was absent from control databases such as GnomAD and in silico algorithms predicted a splice altering.